The following is an entry in ClinVar:

ClinVar aggregate classification (germline): Likely benign. Review status: criteria provided, multiple submitters, no conflicts (2 of 4 stars). 4 submissions from 4 submitters: Likely benign (3). 1 of the submissions does not count toward it. Last evaluated 2025-09-03.

Conditions:
Jeune thoracic dystrophy. Also called: Jeune syndrome; Infantile thoracic dystrophy; Thoracic pelvic phalangeal dystrophy; Jeune's syndrome; Chondroectodermal dysplasia-like syndrome; Short-rib thoracic dysplasia. Identifiers: Orphanet 474, MedGen C0265275, MONDO:0018770.
Nephronophthisis. Also called: Juvenile Nephronophthisis. Identifiers: Orphanet 655, MedGen C0687120, MONDO:0019005, HP:0000090.
TTC21B-related disorder. Also called: TTC21B-related disorders; TTC21B-related condition.

Allele frequency attached by ClinVar (database versions not stated): gnomAD exomes below 0.00001; ExAC 0.00001; gnomAD 0.00001; TOPMed 0.00001.
gnomAD v4.1: 21 of 1,612,228 alleles (0.0013%); highest among the groups gnomAD compares: Non-Finnish European, 0.0018%; no homozygotes.

Submissions (4):

Labcorp Genetics (formerly Invitae), Labcorp
Classification: Likely benign for Jeune thoracic dystrophy; Nephronophthisis. Last evaluated: 2025-09-03. Review status: criteria provided, single submitter. Criteria: Invitae Variant Classification Sherloc (09022015). Collection method: clinical testing. Allele origin: germline.

Blueprint Genetics
Classification: Likely benign. Last evaluated: 2022-04-06. Review status: criteria provided, single submitter. Criteria: ACMG Guidelines, 2015. Collection method: clinical testing. Allele origin: germline.

GeneDx
Classification: Likely benign. Last evaluated: 2019-02-06. Review status: criteria provided, single submitter. Criteria: GeneDx Variant Classification Process June 2021. Collection method: clinical testing. Allele origin: germline. Affected: yes.

PreventionGenetics, part of Exact Sciences
Classification: Likely benign for TTC21B-related condition. Last evaluated: 2024-09-06. Review status: no assertion criteria provided. Collection method: clinical testing. Allele origin: germline. Not counted in ClinVar's aggregate classification.
Comment: This variant is classified as likely benign based on ACMG/AMP sequence variant interpretation guidelines (Richards et al. 2015 PMID: 25741868, with internal and published modifications).

NM_024753.5(TTC21B):c.2967A>G (p.Leu989=)

Gene: TTC21B (tetratricopeptide repeat domain 21B; minus strand). Cytogenetic location: 2q24.3.
Variant type: single nucleotide variant.
Coding change: c.2967A>G on transcript NM_024753.5 (MANE Select); coding-DNA position 2967, A replaced by G.
Protein change: p.Leu989=; no amino-acid change (leucine 989 retained).
Molecular consequence: synonymous variant.
Genome position (GRCh38, 1-based): chr2:165,890,972, T>C on the plus strand (A>G on the coding strand, the complement: TTC21B is on the minus strand). VCF-style: chr2-165890972-T-C. GRCh37 (hg19) VCF-style: chr2-166747482-T-C.
Identifiers: ClinVar variation 391393 (VCV000391393.9), dbSNP rs749030495, ClinGen allele CA1941628.
Genomic context (GRCh38, chr2:165,890,972, plus strand): 5'-GAAAAATCTTGGGACATCCTCGAGTTTTCCACATCTTCTTAGGAGATCAATCAAACGAGA[T>C]AATGTCATATAATTATCTAGAAACAAATAATACTTCAGATATGGGCACCATTTTATACTG-3'
Protein context (NP_079029.3, residues 979-999): LERKPDNYMT[Leu989=]SRLIDLLRRC